The following is an entry in ClinVar:

ClinVar aggregate classification (germline): Uncertain significance. Review status: criteria provided, multiple submitters, no conflicts (2 of 4 stars). 5 submissions from 5 submitters: Uncertain significance (4). 1 of the submissions does not count toward it. Last evaluated 2025-09-24.

Conditions:
Familial colorectal cancer type X. Identifiers: Orphanet 440437, MedGen C3896578, MONDO:0018604.
Hereditary cancer-predisposing syndrome. Also called: Hereditary Cancer Syndrome; Hereditary neoplastic syndrome; Tumor predisposition; Neoplastic Syndromes, Hereditary. Identifiers: Orphanet 140162, MedGen C0027672, MeSH D009386, MONDO:0015356.

Allele frequency attached by ClinVar (database versions not stated): gnomAD below 0.00001 and 0.00001.
gnomAD v4.1: 13 of 1,613,808 alleles (0.00081%); highest among the groups gnomAD compares: South Asian, 0.013%; 1 homozygote.

Submissions (5):

Labcorp Genetics (formerly Invitae), Labcorp
Classification: Uncertain significance. Last evaluated: 2025-09-24. Review status: criteria provided, single submitter. Criteria: Invitae Variant Classification Sherloc (09022015). Collection method: clinical testing. Allele origin: germline.
Comment: This sequence change replaces threonine, which is neutral and polar, with alanine, which is neutral and non-polar, at codon 1263 of the POLE protein (p.Thr1263Ala). This variant is present in population databases (no rsID available, gnomAD 0.01%). This variant has not been reported in the literature in individuals affected with POLE-related conditions. ClinVar contains an entry for this variant (Variation ID: 549725). Invitae Evidence Modeling of protein sequence and biophysical properties (such as structural, functional, and spatial information, amino acid conservation, physicochemical variation, residue mobility, and thermodynamic stability) indicates that this missense variant is not expected to disrupt POLE protein function with a negative predictive value of 80%. In summary, the available evidence is currently insufficient to determine the role of this variant in disease. Therefore, it has been classified as a Variant of Uncertain Significance.

Revvity Omics, Revvity
Classification: Uncertain significance. Last evaluated: 2023-06-08. Review status: criteria provided, single submitter. Criteria: ACMG Guidelines, 2015. Collection method: clinical testing. Allele origin: germline.

Ambry Genetics
Classification: Uncertain significance for Hereditary cancer-predisposing syndrome. Last evaluated: 2023-05-25. Review status: criteria provided, single submitter. Criteria: Ambry Variant Classification Scheme 2023. Collection method: clinical testing. Allele origin: germline.
Comment: The p.T1263A variant (also known as c.3787A>G), located in coding exon 30 of the POLE gene, results from an A to G substitution at nucleotide position 3787. The threonine at codon 1263 is replaced by alanine, an amino acid with similar properties. This amino acid position is conserved. In addition, this alteration is predicted to be tolerated by in silico analysis. Since supporting evidence is limited at this time, the clinical significance of this alteration remains unclear.

Department of Pathology and Laboratory Medicine, Sinai Health System
Classification: Uncertain significance for Familial colorectal cancer type X. Last evaluated: 2020-02-26. Review status: criteria provided, single submitter. Criteria: ACMG Guidelines, 2015. Collection method: clinical testing. Allele origin: germline. Affected: yes.

True Health Diagnostics
Classification: Uncertain significance for Hereditary cancer-predisposing syndrome. Last evaluated: 2017-09-15. Review status: no assertion criteria provided. Collection method: clinical testing. Allele origin: germline. Not counted in ClinVar's aggregate classification.

NM_006231.4(POLE):c.3787A>G (p.Thr1263Ala)

Gene: POLE (DNA polymerase epsilon, catalytic subunit; minus strand). Cytogenetic location: 12q24.33.
Variant type: single nucleotide variant.
Coding change: c.3787A>G on transcript NM_006231.4 (MANE Select); coding-DNA position 3787, A replaced by G.
Protein change: p.Thr1263Ala; replaces threonine 1263 with alanine.
Molecular consequence: missense variant.
Genome position (GRCh38, 1-based): chr12:132,649,685, T>C on the plus strand (A>G on the coding strand, the complement: POLE is on the minus strand). VCF-style: chr12-132649685-T-C. GRCh37 (hg19) VCF-style: chr12-133226271-T-C.
Other names: c.3787A>G (NM_006231.2); short protein forms T1263A.
Identifiers: ClinVar variation 549725 (VCV000549725.13), dbSNP rs1025864203, ClinGen allele CA246310459.